The following is an entry in ClinVar:

NM_152703.5(SAMD9L):c.507T>G (p.Asp169Glu)

Gene: SAMD9L (sterile alpha motif domain containing 9 like; minus strand). Cytogenetic location: 7q21.2.
Variant type: single nucleotide variant.
Coding change: c.507T>G on transcript NM_152703.5 (MANE Select); coding-DNA position 507, T replaced by G.
Protein change: p.Asp169Glu; replaces aspartic acid 169 with glutamic acid.
Molecular consequence: missense variant.
Genome position (GRCh38, 1-based): chr7:93,135,465, A>C on the plus strand (T>G on the coding strand, the complement: SAMD9L is on the minus strand). VCF-style: chr7-93135465-A-C. GRCh37 (hg19) VCF-style: chr7-92764778-A-C.
Other names: c.507T>G, p.Asp169Glu (NM_001303496.3, NM_001303497.3, NM_001303498.3 and 5 more transcripts); short protein forms D169E.
Identifiers: ClinVar variation 3792197 (VCV003792197.1).

ClinVar aggregate classification (germline): Uncertain significance (1 of 4 stars; one submission).

Conditions:
Inborn genetic diseases. Identifiers: MedGen C0950123, MeSH D030342.

Submission:

Ambry Genetics
Classification: Uncertain significance for Inborn genetic diseases. Last evaluated: 2024-12-14. Review status: criteria provided, single submitter. Criteria: Ambry Variant Classification Scheme 2023. Collection method: clinical testing. Allele origin: germline.
Comment: The p.D169E variant (also known as c.507T>G), located in coding exon 1 of the SAMD9L gene, results from a T to G substitution at nucleotide position 507. The aspartic acid at codon 169 is replaced by glutamic acid, an amino acid with highly similar properties. This amino acid position is conserved. In addition, this alteration is predicted to be tolerated by in silico analysis. Based on the available evidence, the clinical significance of this variant remains unclear.